The following is an entry in ClinVar:

NM_001184785.2(PARD3):c.3756G>A (p.Glu1252=)

Gene: PARD3 (par-3 family cell polarity regulator; minus strand). Cytogenetic location: 10p11.22.
Variant type: single nucleotide variant.
Coding change: c.3756G>A on transcript NM_001184785.2 (MANE Select); coding-DNA position 3756, G replaced by A.
Protein change: p.Glu1252=; no amino-acid change (glutamic acid 1252 retained).
Molecular consequence: synonymous variant.
Genome position (GRCh38, 1-based): chr10:34,111,475, C>T on the plus strand (G>A on the coding strand, the complement: PARD3 is on the minus strand). VCF-style: chr10-34111475-C-T. GRCh37 (hg19) VCF-style: chr10-34400403-C-T.
Other names: c.3717G>A, p.Glu1239= (NM_001184786.2); c.3654G>A, p.Glu1218= (NM_001184787.2); c.3627G>A, p.Glu1209= (NM_001184788.2); c.3516G>A, p.Glu1172= (NM_001184789.2); c.3495G>A, p.Glu1165= (NM_001184790.2); c.3429G>A, p.Glu1143= (NM_001184791.2); c.3765G>A, p.Glu1255= (NM_019619.4).
Identifiers: ClinVar variation 769779 (VCV000769779.28), dbSNP rs144844232, ClinGen allele CA5467146.
Genomic context (GRCh38, chr10:34,111,475, plus strand): 5'-GAAGCCATGTCCTCCCAGGTAGCCGTTCCTGGAGCCTTGGTAGCTGGAGTACCTGGGGTT[C>T]TCTTTGGCACTCTGGAAGCCTTCCCCAGGGGAGTAGTTCTGCTCCCAAGAGTCCTGGGAG-3'
Protein context (NP_001171714.1, residues 1242-1262): SPGEGFQSAK[Glu1252=]NPRYSSYQGS

ClinVar aggregate classification (germline): Benign/Likely benign. Review status: criteria provided, multiple submitters, no conflicts (2 of 4 stars). 3 submissions from 3 submitters: Benign (1); Likely benign (1). 1 of the submissions does not count toward it. Last evaluated 2022-12-01.

Conditions:
PARD3-related disorder. Also called: PARD3-related condition.

Allele frequency attached by ClinVar (database versions not stated): 1000 Genomes Project 0.00060; 1000 Genomes Project 30x 0.00062; TOPMed 0.00174; gnomAD 0.00175 and 0.00183; ESP Exome Variant Server 0.00308.
gnomAD v4.1: 4,168 of 1,614,110 alleles (0.26%); highest among the groups gnomAD compares: Non-Finnish European, 0.32%; 14 homozygotes.

Submissions (3):

CeGaT Center for Human Genetics Tuebingen
Classification: Likely benign. Last evaluated: 2022-12-01. Review status: criteria provided, single submitter. Criteria: CeGaT Center For Human Genetics Tuebingen Variant Classification Criteria Version 2. Collection method: clinical testing. Allele origin: germline. Affected: yes. Observed: 2 variant alleles.
Comment: PARD3: BP4, BP7, BS2

Labcorp Genetics (formerly Invitae), Labcorp
Classification: Benign. Last evaluated: 2017-11-17. Review status: criteria provided, single submitter. Criteria: Invitae Variant Classification Sherloc (09022015). Collection method: clinical testing. Allele origin: germline.

PreventionGenetics, part of Exact Sciences
Classification: Likely benign for PARD3-related condition. Last evaluated: 2019-11-06. Review status: no assertion criteria provided. Collection method: clinical testing. Allele origin: germline. Not counted in ClinVar's aggregate classification.
Comment: This variant is classified as likely benign based on ACMG/AMP sequence variant interpretation guidelines (Richards et al. 2015 PMID: 25741868, with internal and published modifications).